The following is an entry in ClinVar:

ClinVar aggregate classification (germline): Likely benign (1 of 4 stars; one submission).

Allele frequency attached by ClinVar (database versions not stated): TOPMed 0.00007.
gnomAD v4.1: 9 of 131,832 alleles (0.0068%); highest among the groups gnomAD compares: Admixed American, 0.068%; no homozygotes.

Submission:

GeneDx
Classification: Likely benign. Last evaluated: 2017-03-03. Review status: criteria provided, single submitter. Criteria: GeneDx Variant Classification (06012015). Collection method: clinical testing. Allele origin: germline. Affected: yes.
Comment: This variant is considered likely benign or benign based on one or more of the following criteria: it is a conservative change, it occurs at a poorly conserved position in the protein, it is predicted to be benign by multiple in silico algorithms, and/or has population frequency not consistent with disease.

NM_014874.4(MFN2):c.-149-20C>A

Gene: MFN2 (mitofusin 2; plus strand). Cytogenetic location: 1p36.22.
Variant type: single nucleotide variant.
Coding change: c.-149-20C>A on transcript NM_014874.4 (MANE Select); 20 bases into the intron before 149 bases upstream of the start codon, C replaced by A.
Molecular consequence: intron variant.
Genome position (GRCh38, 1-based): chr1:11,981,950, C>A. VCF-style: chr1-11981950-C-A. GRCh37 (hg19) VCF-style: chr1-12042007-C-A.
Other names: c.-5+1466C>A (NM_001127660.2).
Identifiers: ClinVar variation 507784 (VCV000507784.1), dbSNP rs1053095330, ClinGen allele CA18028960.